The following is an entry in ClinVar:

ClinVar aggregate classification (germline): Benign/Likely benign. Review status: criteria provided, multiple submitters, no conflicts (2 of 4 stars). 5 submissions from 5 submitters: Benign (1); Likely benign (3). 1 of the submissions does not count toward it. Last evaluated 2026-02-01.

Conditions:
Autosomal dominant Robinow syndrome 1. Also called: Covesdem syndrome (formerly); Costovertebral segmentation defect with mesomelia (formerly); WNT5A-Related Robinow Syndrome, Autosomal Dominant; ACRAL DYSOSTOSIS WITH FACIAL AND GENITAL ABNORMALITIES; FETAL FACE SYNDROME; ROBINOW DWARFISM. Identifiers: Orphanet 3107, Orphanet 97360, MedGen C4551475, MONDO:0024455, OMIM 180700.
Autosomal dominant Robinow syndrome 2. Identifiers: Orphanet 3107, Orphanet 97360, MedGen C4225363, MONDO:0014591, OMIM 616331.
DVL1-related disorder. Also called: DVL1-related condition.

Allele frequency attached by ClinVar (database versions not stated): ESP Exome Variant Server 0.00023; gnomAD 0.00208 and 0.00210; 1000 Genomes Project 0.00339; 1000 Genomes Project 30x 0.00375; TOPMed 0.00416.

Submissions (6):

Labcorp Genetics (formerly Invitae), Labcorp
Classification: Benign. Last evaluated: 2026-02-01. Review status: criteria provided, single submitter. Criteria: Invitae Variant Classification Sherloc (09022015). Collection method: clinical testing. Allele origin: germline.

GeneDx
Classification: Likely benign. Last evaluated: 2023-09-26. Review status: criteria provided, single submitter. Criteria: GeneDx Variant Classification Process June 2021. Collection method: clinical testing. Allele origin: germline. Affected: yes.
Comment: See Variant Classification Assertion Criteria.

Fulgent Genetics
Classification: Likely benign for Autosomal dominant Robinow syndrome 1; Autosomal dominant Robinow syndrome 2. Last evaluated: 2021-09-07. Review status: criteria provided, single submitter. Criteria: ACMG Guidelines, 2015. Collection method: clinical testing. Allele origin: unknown.

Breakthrough Genomics
Classification: Likely benign. Review status: criteria provided, single submitter. Criteria: ACMG Guidelines, 2015. Collection method: not provided. Allele origin: germline. Inheritance: Autosomal dominant inheritance. Affected: yes.

PreventionGenetics, part of Exact Sciences
Classification: Benign for DVL1-related condition. Last evaluated: 2019-03-22. Review status: no assertion criteria provided. Collection method: clinical testing. Allele origin: germline. Not counted in ClinVar's aggregate classification.
Comment: This variant is classified as benign based on ACMG/AMP sequence variant interpretation guidelines (Richards et al. 2015 PMID: 25741868, with internal and published modifications).

Dr. Peter K. Rogan Lab, Western University
No classification provided (evidence only). Condition: Cervical cancer. Review status: no classification provided. Collection method: in vitro. Allele origin: not applicable. Functional consequence: retained intron. Not counted in ClinVar's aggregate classification.

NM_001330311.2(DVL1):c.272C>T (p.Ala91Val)

Gene: DVL1 (dishevelled segment polarity protein 1; minus strand). Cytogenetic location: 1p36.33.
Variant type: single nucleotide variant.
Coding change: c.272C>T on transcript NM_001330311.2 (MANE Select); coding-DNA position 272, C replaced by T.
Protein change: p.Ala91Val; replaces alanine 91 with valine.
Molecular consequence: missense variant.
Genome position (GRCh38, 1-based): chr1:1,342,453, G>A on the plus strand (C>T on the coding strand, the complement: DVL1 is on the minus strand). VCF-style: chr1-1342453-G-A. GRCh37 (hg19) VCF-style: chr1-1277833-G-A.
Other names: c.272C>T, p.Ala91Val (NM_004421.3); short protein forms A91V.
Identifiers: ClinVar variation 788936 (VCV000788936.22), dbSNP rs145496306, ClinGen allele CA520767.